The following is an entry in ClinVar:

NM_032444.4(SLX4):c.1025C>T (p.Pro342Leu)

Gene: SLX4 (SLX4 structure-specific endonuclease subunit; minus strand). Cytogenetic location: 16p13.3.
Variant type: single nucleotide variant.
Coding change: c.1025C>T on transcript NM_032444.4 (MANE Select); coding-DNA position 1025, C replaced by T.
Protein change: p.Pro342Leu; replaces proline 342 with leucine.
Molecular consequence: missense variant.
Genome position (GRCh38, 1-based): chr16:3,601,117, G>A on the plus strand (C>T on the coding strand, the complement: SLX4 is on the minus strand). VCF-style: chr16-3601117-G-A. GRCh37 (hg19) VCF-style: chr16-3651118-G-A.
Other names: short protein forms P342L.
Identifiers: ClinVar variation 2823504 (VCV002823504.2), dbSNP rs564092523, ClinGen allele CA7866656.
Genomic context (GRCh38, chr16:3,601,117, plus strand): 5'-ACCTCCATCTTCACAGCACACTGCTTCAAGTGACTGGTTCTGCTCTTTAAGGTAAGAAAC[G>A]GTTTCCCACAAATCGGGCACTCAGGGATCTGAGGCACAGAAGGTCTTAGTGTCTTTTCAG-3'
Protein context (NP_115820.2, residues 332-352): QIPECPICGK[Pro342Leu]FLTLKSRTSH

ClinVar aggregate classification (germline): Uncertain significance (1 of 4 stars; one submission).

Conditions:
Fanconi anemia (FA). Also called: Fanconi's anemia. Identifiers: Orphanet 84, MedGen C0015625, MeSH D005199, MONDO:0019391.

Allele frequency attached by ClinVar (database versions not stated): 1000 Genomes Project 30x 0.00016; 1000 Genomes Project 0.00020.
gnomAD v4.1: 5 of 1,614,096 alleles (0.00031%); highest among the groups gnomAD compares: African/African-American, 0.004%; no homozygotes.

Submission:

Labcorp Genetics (formerly Invitae), Labcorp
Classification: Uncertain significance for Fanconi anemia. Last evaluated: 2023-05-11. Review status: criteria provided, single submitter. Criteria: Invitae Variant Classification Sherloc (09022015). Collection method: clinical testing. Allele origin: germline.
Comment: This sequence change replaces proline, which is neutral and non-polar, with leucine, which is neutral and non-polar, at codon 342 of the SLX4 protein (p.Pro342Leu). This variant is present in population databases (rs564092523, gnomAD 0.007%). This variant has not been reported in the literature in individuals affected with SLX4-related conditions. Algorithms developed to predict the effect of missense changes on protein structure and function output the following: SIFT: "Not Available"; PolyPhen-2: "Benign"; Align-GVGD: "Not Available". The leucine amino acid residue is found in multiple mammalian species, which suggests that this missense change does not adversely affect protein function. In summary, the available evidence is currently insufficient to determine the role of this variant in disease. Therefore, it has been classified as a Variant of Uncertain Significance.